The following is an entry in ClinVar:

ClinVar aggregate classification (germline): Uncertain significance (1 of 4 stars; one submission).

Conditions:
Mosaic variegated aneuploidy syndrome 1 (MVA1). Also called: Warburton-Anyane-Yeboa syndrome. Identifiers: Orphanet 1052, MedGen C1850343, MONDO:0009759, OMIM 257300.

Submission:

Labcorp Genetics (formerly Invitae), Labcorp
Classification: Uncertain significance for Mosaic variegated aneuploidy syndrome 1. Last evaluated: 2020-10-09. Review status: criteria provided, single submitter. Criteria: Invitae Variant Classification Sherloc (09022015). Collection method: clinical testing. Allele origin: germline.
Comment: This sequence change replaces lysine with glutamic acid at codon 988 of the BUB1B protein (p.Lys988Glu). The lysine residue is weakly conserved and there is a small physicochemical difference between lysine and glutamic acid. This variant is not present in population databases (ExAC no frequency). This variant has not been reported in the literature in individuals with BUB1B-related conditions. Algorithms developed to predict the effect of missense changes on protein structure and function (SIFT, PolyPhen-2, Align-GVGD) all suggest that this variant is likely to be tolerated, but these predictions have not been confirmed by published functional studies and their clinical significance is uncertain. In summary, the available evidence is currently insufficient to determine the role of this variant in disease. Therefore, it has been classified as a Variant of Uncertain Significance.

NM_001211.6(BUB1B):c.2962A>G (p.Lys988Glu)

Genes: BUB1B-PAK6 (BUB1B-PAK6 readthrough; plus strand), BUB1B (BUB1 mitotic checkpoint serine/threonine kinase B; plus strand). Cytogenetic location: 15q15.1.
Variant type: single nucleotide variant.
Coding change: c.2962A>G on transcript NM_001211.6 (MANE Select); coding-DNA position 2962, A replaced by G.
Protein change: p.Lys988Glu; replaces lysine 988 with glutamic acid.
Molecular consequence: missense variant. On other transcripts: intron variant (2).
Genome position (GRCh38, 1-based): chr15:40,220,568, A>G. VCF-style: chr15-40220568-A-G. GRCh37 (hg19) VCF-style: chr15-40512769-A-G.
Other names: c.-201+2901A>G (NM_001128628.3); c.-118+2901A>G (NM_001128629.3); short protein forms K988E.
Identifiers: ClinVar variation 1059582 (VCV001059582.9), dbSNP rs2140914660, ClinGen allele CA391689193.